The following is an entry in ClinVar:

NM_000135.4(FANCA):c.3496A>G (p.Ile1166Val)

Gene: FANCA (FA complementation group A; minus strand). Cytogenetic location: 16q24.3.
Variant type: single nucleotide variant.
Coding change: c.3496A>G on transcript NM_000135.4 (MANE Select); coding-DNA position 3496, A replaced by G.
Protein change: p.Ile1166Val; replaces isoleucine 1166 with valine.
Molecular consequence: missense variant.
Genome position (GRCh38, 1-based): chr16:89,746,601, T>C on the plus strand (A>G on the coding strand, the complement: FANCA is on the minus strand). VCF-style: chr16-89746601-T-C. GRCh37 (hg19) VCF-style: chr16-89813009-T-C.
Other names: c.3496A>G, p.Ile1166Val (NM_001286167.3); short protein forms I1166V.
Identifiers: ClinVar variation 2139229 (VCV002139229.3), dbSNP rs1567601223, ClinGen allele CA397485850.

ClinVar aggregate classification (germline): Conflicting classifications of pathogenicity. Review status: criteria provided, conflicting classifications (1 of 4 stars). 3 submissions from 3 submitters: Uncertain significance (2); Likely benign (1). Last evaluated 2025-06-28.

Conditions:
Inborn genetic diseases. Identifiers: MedGen C0950123, MeSH D030342.
Fanconi anemia (FA). Also called: Fanconi's anemia. Identifiers: Orphanet 84, MedGen C0015625, MeSH D005199, MONDO:0019391.
Fanconi anemia complementation group A (FANCA). Also called: Fanconi anemia, group A; FANCA-Related Fanconi Anemia. Identifiers: Orphanet 84, MedGen C3469521, MONDO:0009215, OMIM 227650.

Allele frequency attached by ClinVar (database versions not stated): gnomAD exomes below 0.00001.
gnomAD v4.1: 1 of 1,613,980 alleles (0.000062%); highest among the groups gnomAD compares: Non-Finnish European, 0.000085%; no homozygotes.

Submissions (3):

Ambry Genetics
Classification: Likely benign for Inborn genetic diseases. Last evaluated: 2025-06-28. Review status: criteria provided, single submitter. Criteria: Ambry Variant Classification Scheme 2023. Collection method: clinical testing. Allele origin: germline.

Fulgent Genetics
Classification: Uncertain significance for Fanconi anemia complementation group A. Last evaluated: 2024-03-14. Review status: criteria provided, single submitter. Criteria: ACMG Guidelines, 2015. Collection method: clinical testing. Allele origin: germline.

Labcorp Genetics (formerly Invitae), Labcorp
Classification: Uncertain significance for Fanconi anemia. Last evaluated: 2022-03-17. Review status: criteria provided, single submitter. Criteria: Invitae Variant Classification Sherloc (09022015). Collection method: clinical testing. Allele origin: germline.
Comment: This sequence change replaces isoleucine, which is neutral and non-polar, with valine, which is neutral and non-polar, at codon 1166 of the FANCA protein (p.Ile1166Val). This variant is not present in population databases (gnomAD no frequency). This variant has not been reported in the literature in individuals affected with FANCA-related conditions. Advanced modeling of protein sequence and biophysical properties (such as structural, functional, and spatial information, amino acid conservation, physicochemical variation, residue mobility, and thermodynamic stability) performed at Invitae indicates that this missense variant is not expected to disrupt FANCA protein function. Algorithms developed to predict the effect of sequence changes on RNA splicing suggest that this variant may create or strengthen a splice site. In summary, the available evidence is currently insufficient to determine the role of this variant in disease. Therefore, it has been classified as a Variant of Uncertain Significance.